The following is an entry in ClinVar:

ClinVar aggregate classification (germline): Uncertain significance (1 of 4 stars; one submission).

Conditions:
Neuropathy, hereditary sensory, type 2C. Also called: KIF1A-Related HSAN2 (HSAN2C); Hereditary sensory and autonomic neuropathy type IIC. Identifiers: Orphanet 970, MedGen C3280168, MONDO:0013634, OMIM 614213.
Hereditary spastic paraplegia 30. Identifiers: Orphanet 101010, MedGen C5235139, MONDO:0012476.
Intellectual disability, autosomal dominant 9 (NESCAVS). Also called: NESCAV SYNDROME; KIF1A-Related Neurodevelopmental Disorder. Identifiers: Orphanet 662367, MedGen C5393830, MONDO:0013656, OMIM 614255.

Submission:

Labcorp Genetics (formerly Invitae), Labcorp
Classification: Uncertain significance for Hereditary spastic paraplegia 30; Neuropathy, hereditary sensory, type 2C; Intellectual disability, autosomal dominant 9. Last evaluated: 2023-12-02. Review status: criteria provided, single submitter. Criteria: Invitae Variant Classification Sherloc (09022015). Collection method: clinical testing. Allele origin: germline.
Comment: This sequence change replaces glutamic acid, which is acidic and polar, with glycine, which is neutral and non-polar, at codon 267 of the KIF1A protein (p.Glu267Gly). This variant is not present in population databases (gnomAD no frequency). This variant has not been reported in the literature in individuals affected with KIF1A-related conditions. An algorithm developed to predict the effect of missense changes on protein structure and function (PolyPhen-2) suggests that this variant is likely to be disruptive. This variant disrupts the p.Glu267 amino acid residue in KIF1A. Other variant(s) that disrupt this residue have been determined to be pathogenic (PMID: 33880452; Invitae). This suggests that this residue is clinically significant, and that variants that disrupt this residue are likely to be disease-causing. In summary, the available evidence is currently insufficient to determine the role of this variant in disease. Therefore, it has been classified as a Variant of Uncertain Significance.

Literature cited by the submitters: PubMed 33880452.

NM_001244008.2(KIF1A):c.800A>G (p.Glu267Gly)

Gene: KIF1A (kinesin family member 1A; minus strand). Cytogenetic location: 2q37.3.
Variant type: single nucleotide variant.
Coding change: c.800A>G on transcript NM_001244008.2 (MANE Select); coding-DNA position 800, A replaced by G.
Protein change: p.Glu267Gly; replaces glutamic acid 267 with glycine.
Molecular consequence: missense variant.
Genome position (GRCh38, 1-based): chr2:240,783,108, T>C on the plus strand (A>G on the coding strand, the complement: KIF1A is on the minus strand). VCF-style: chr2-240783108-T-C. GRCh37 (hg19) VCF-style: chr2-241722525-T-C.
Other names: c.800A>G, p.Glu267Gly (NM_001320705.2, NM_001330289.2, NM_001330290.2 and 21 more transcripts); short protein forms E267G.
Identifiers: ClinVar variation 2954227 (VCV002954227.3), dbSNP rs2538259388, ClinGen allele CA351302710.
Genomic context (GRCh38, chr2:240,783,108, plus strand): 5'-TCAGCCAGGGCGGAGATGACCTTGCCCAGGGTGGTCAGCGACTTGTTGATGTTGGCCCCC[T>C]CCTGCGGGCAGAAAAGACAGTGGGGTTGGGATGCTGGGGACCCGTGGGGCCTCCTGCTCT-3'
Protein context (NP_001230937.1, residues 257-277): STGAKGTRLK[Glu267Gly]GANINKSLTT